The following is an entry in ClinVar:

ClinVar aggregate classification (germline): not provided (0 of 4 stars; one submission).

Allele frequency attached by ClinVar (database versions not stated): gnomAD exomes below 0.00001.
gnomAD v4.1: 1 of 1,612,700 alleles (0.000062%); highest among the groups gnomAD compares: Admixed American, 0.0017%; no homozygotes.

Submission:

ZMPSTE24 homepage - Leiden Muscular Dystrophy pages
No classification provided. Review status: no classification provided. Collection method: not provided. Allele origin: germline.
Comment: has functional consequence

NM_005857.5(ZMPSTE24):c.281T>C (p.Leu94Pro)

Gene: ZMPSTE24 (zinc metallopeptidase STE24; plus strand). Cytogenetic location: 1p34.2.
Variant type: single nucleotide variant.
Coding change: c.281T>C on transcript NM_005857.5 (MANE Select); coding-DNA position 281, T replaced by C.
Protein change: p.Leu94Pro; replaces leucine 94 with proline.
Molecular consequence: missense variant.
Genome position (GRCh38, 1-based): chr1:40,267,796, T>C. VCF-style: chr1-40267796-T-C. GRCh37 (hg19) VCF-style: chr1-40733468-T-C.
Other names: c.281T>C (LRG_212t1); short protein forms L94P.
Identifiers: ClinVar variation 140523 (VCV000140523.1), dbSNP rs281875364, ClinGen allele CA232743.